The following is an entry in ClinVar:

NM_001103.4(ACTN2):c.1783T>G (p.Ser595Ala)

Gene: ACTN2 (actinin alpha 2; plus strand). Cytogenetic location: 1q43.
Variant type: single nucleotide variant.
Coding change: c.1783T>G on transcript NM_001103.4 (MANE Select); coding-DNA position 1783, T replaced by G.
Protein change: p.Ser595Ala; replaces serine 595 with alanine.
Molecular consequence: missense variant. On other transcripts: non-coding transcript variant (1).
Genome position (GRCh38, 1-based): chr1:236,751,596, T>G. VCF-style: chr1-236751596-T-G. GRCh37 (hg19) VCF-style: chr1-236914896-T-G.
Other names: c.1783T>G, p.Ser595Ala (NM_001278343.2); short protein forms S595A.
Identifiers: ClinVar variation 4789275 (VCV004789275.1).

ClinVar aggregate classification (germline): Uncertain significance (1 of 4 stars; one submission).

Conditions:
Dilated cardiomyopathy 1AA (CMD1AA). Also called: CARDIOMYOPATHY, DILATED, 1AA, WITH OR WITHOUT LEFT VENTRICULAR NONCOMPACTION; CARDIOMYOPATHY, FAMILIAL HYPERTROPHIC, 23, WITH OR WITHOUT LEFT VENTRICULAR NONCOMPACTION; Cardiomyopathy, dilated, 1AA, with or without LVNC. Identifiers: Orphanet 154, MedGen C2677338, MONDO:0012808, OMIM 612158.
Primary familial hypertrophic cardiomyopathy (HCM). Identifiers: Orphanet 99739, MedGen C0949658, MeSH D024741, MONDO:0024573. Inheritance: Various modes of inheritance.

Submission:

Labcorp Genetics (formerly Invitae), Labcorp
Classification: Uncertain significance for Primary familial hypertrophic cardiomyopathy; Dilated cardiomyopathy 1AA. Last evaluated: 2025-08-17. Review status: criteria provided, single submitter. Criteria: Invitae Variant Classification Sherloc (09022015). Collection method: clinical testing. Allele origin: germline.
Comment: This sequence change replaces serine, which is neutral and polar, with alanine, which is neutral and non-polar, at codon 595 of the ACTN2 protein (p.Ser595Ala). This variant is not present in population databases (gnomAD no frequency). This variant has not been reported in the literature in individuals affected with ACTN2-related conditions. Invitae Evidence Modeling of protein sequence and biophysical properties (such as structural, functional, and spatial information, amino acid conservation, physicochemical variation, residue mobility, and thermodynamic stability) indicates that this missense variant is not expected to disrupt ACTN2 protein function with a negative predictive value of 95%. In summary, the available evidence is currently insufficient to determine the role of this variant in disease. Therefore, it has been classified as a Variant of Uncertain Significance.